The following is an entry in ClinVar:

ClinVar aggregate classification (germline): Uncertain significance (1 of 4 stars; one submission).

Conditions:
Hereditary cancer-predisposing syndrome. Also called: Tumor predisposition; Neoplastic Syndromes, Hereditary; Hereditary neoplastic syndrome; Hereditary Cancer Syndrome. Identifiers: Orphanet 140162, MedGen C0027672, MeSH D009386, MONDO:0015356.

Submission:

Ambry Genetics
Classification: Uncertain significance for Hereditary cancer-predisposing syndrome. Last evaluated: 2025-08-27. Review status: criteria provided, single submitter. Criteria: Ambry Variant Classification Scheme 2023. Collection method: clinical testing. Allele origin: germline.
Comment: The p.A46P variant (also known as c.136G>C), located in coding exon 2 of the MUTYH gene, results from a G to C substitution at nucleotide position 136. The alanine at codon 46 is replaced by proline, an amino acid with highly similar properties. This amino acid position is conserved. In addition, this alteration is predicted to be tolerated by in silico analysis. Based on the available evidence, the clinical significance of this variant remains unclear.

NM_001048174.2(MUTYH):c.94G>C (p.Ala32Pro)

Gene: MUTYH (mutY DNA glycosylase; minus strand). Cytogenetic location: 1p34.1.
Variant type: single nucleotide variant.
Coding change: c.94G>C on transcript NM_001048174.2 (MANE Select); coding-DNA position 94, G replaced by C.
Protein change: p.Ala32Pro; replaces alanine 32 with proline.
Molecular consequence: missense variant. On other transcripts: 5 prime UTR variant (7), non-coding transcript variant (7).
Genome position (GRCh38, 1-based): chr1:45,334,412, C>G on the plus strand (G>C on the coding strand, the complement: MUTYH is on the minus strand). VCF-style: chr1-45334412-C-G. GRCh37 (hg19) VCF-style: chr1-45800084-C-G.
Other names: c.94G>C, p.Ala32Pro (NM_001048171.2, NM_001048172.2, NM_001048173.2 and 15 more transcripts); c.136G>C, p.Ala46Pro (NM_001128425.2, NM_001293190.2, NM_001407069.1 and 2 more transcripts); c.-119G>C (NM_001293192.2, NM_001293196.2, NM_001407091.1); c.-178G>C (NM_001350650.2); c.-114G>C (NM_001350651.2, NM_001407082.1); c.-63G>C (NM_001407075.1); c.112G>C, p.Ala38Pro (NM_001407087.1); short protein forms A38P, A32P, A46P.
Identifiers: ClinVar variation 4113195 (VCV004113195.1).